The following is an entry in ClinVar:

NM_001394062.1(MACF1):c.1799G>A (p.Arg600Gln)

Gene: MACF1 (microtubule actin crosslinking factor 1; plus strand). Cytogenetic location: 1p34.3.
Variant type: single nucleotide variant.
Coding change: c.1799G>A on transcript NM_001394062.1 (MANE Select); coding-DNA position 1799, G replaced by A.
Protein change: p.Arg600Gln; replaces arginine 600 with glutamine.
Molecular consequence: missense variant.
Genome position (GRCh38, 1-based): chr1:39,291,923, G>A. VCF-style: chr1-39291923-G-A. GRCh37 (hg19) VCF-style: chr1-39757595-G-A.
Other names: c.1814G>A, p.Arg605Gln (NM_012090.5); short protein forms R605Q, R600Q.
Identifiers: ClinVar variation 982710 (VCV000982710.32), dbSNP rs139794027, ClinGen allele CA779523.

ClinVar aggregate classification (germline): Benign/Likely benign. Review status: criteria provided, multiple submitters, no conflicts (2 of 4 stars). 7 submissions from 7 submitters: Benign (3); Likely benign (3). 1 of the submissions does not count toward it. Last evaluated 2026-05-01.

Conditions:
Lissencephaly 9 with complex brainstem malformation. Identifiers: Orphanet 572013, MedGen C5193029, MONDO:0032677, OMIM 618325.
MACF1-related disorder. Also called: MACF1-related condition.

Allele frequency attached by ClinVar (database versions not stated): gnomAD exomes 0.00225 and 0.00221; gnomAD 0.00238 and 0.00250; 1000 Genomes Project 30x 0.00109; TOPMed 0.00139; 1000 Genomes Project 0.00140; ExAC 0.00196; ESP Exome Variant Server 0.00208.
gnomAD v4.1: 3,595 of 1,613,532 alleles (0.22%); highest among the groups gnomAD compares: Non-Finnish European, 0.22%; 14 homozygotes.

Submissions (7):

CeGaT Center for Human Genetics Tuebingen
Classification: Benign. Last evaluated: 2026-05-01. Review status: criteria provided, single submitter. Criteria: CeGaT Center For Human Genetics Tuebingen Variant Classification Criteria Version 2. Collection method: clinical testing. Allele origin: germline. Affected: yes. Observed: 6 variant alleles.
Comment: MACF1: BS1, BS2

Labcorp Genetics (formerly Invitae), Labcorp
Classification: Benign. Last evaluated: 2025-10-23. Review status: criteria provided, single submitter. Criteria: Invitae Variant Classification Sherloc (09022015). Collection method: clinical testing. Allele origin: germline.

Blueprint Genetics
Classification: Likely benign. Last evaluated: 2024-11-22. Review status: criteria provided, single submitter. Criteria: ACMG Guidelines, 2015. Collection method: clinical testing. Allele origin: germline.

Genome-Nilou Lab
Classification: Benign for Lissencephaly 9 with complex brainstem malformation. Last evaluated: 2023-04-11. Review status: criteria provided, single submitter. Criteria: ACMG Guidelines, 2015. Collection method: clinical testing. Allele origin: germline. Affected: no.

Institute of Human Genetics, University of Leipzig Medical Center
Classification: Likely benign for Lissencephaly 9 with complex brainstem malformation. Last evaluated: 2019-01-01. Review status: criteria provided, single submitter. Criteria: ACMG Guidelines, 2015. Collection method: clinical testing. Allele origin: unknown. Affected: yes.

Breakthrough Genomics
Classification: Likely benign. Review status: criteria provided, single submitter. Criteria: ACMG Guidelines, 2015. Collection method: not provided. Allele origin: germline. Inheritance: Autosomal dominant inheritance. Affected: yes.

PreventionGenetics, part of Exact Sciences
Classification: Benign for MACF1-related condition. Last evaluated: 2024-07-11. Review status: no assertion criteria provided. Collection method: clinical testing. Allele origin: germline. Not counted in ClinVar's aggregate classification.
Comment: This variant is classified as benign based on ACMG/AMP sequence variant interpretation guidelines (Richards et al. 2015 PMID: 25741868, with internal and published modifications).